The following is an entry in ClinVar:

ClinVar aggregate classification (germline): Likely benign. Review status: criteria provided, multiple submitters, no conflicts (2 of 4 stars). 4 submissions from 4 submitters: Likely benign (4). Last evaluated 2025-11-18.

Allele frequency attached by ClinVar (database versions not stated): gnomAD exomes 0.00009 and 0.00024; gnomAD 0.00011; TOPMed 0.00011.
gnomAD v4.1: 313 of 1,459,758 alleles (0.021%); highest among the groups gnomAD compares: Non-Finnish European, 0.027%; no homozygotes.

Submissions (4):

Labcorp Genetics (formerly Invitae), Labcorp
Classification: Likely benign. Last evaluated: 2025-11-18. Review status: criteria provided, single submitter. Criteria: Invitae Variant Classification Sherloc (09022015). Collection method: clinical testing. Allele origin: germline.

Women's Health and Genetics/Laboratory Corporation of America, LabCorp
Classification: Likely benign. Last evaluated: 2025-01-27. Review status: criteria provided, single submitter. Criteria: LabCorp Variant Classification Summary - May 2015. Collection method: clinical testing. Allele origin: germline.

Blueprint Genetics
Classification: Likely benign. Last evaluated: 2024-09-04. Review status: criteria provided, single submitter. Criteria: ACMG Guidelines, 2015. Collection method: clinical testing. Allele origin: germline.

CeGaT Center for Human Genetics Tuebingen
Classification: Likely benign. Last evaluated: 2022-05-01. Review status: criteria provided, single submitter. Criteria: CeGaT Center For Human Genetics Tuebingen Variant Classification Criteria Version 2. Collection method: clinical testing. Allele origin: germline. Affected: yes. Observed: 1 variant allele.
Comment: BLOC1S3: BP4, BP7

NM_212550.5(BLOC1S3):c.424C>T (p.Leu142=)

Gene: BLOC1S3 (biogenesis of lysosomal organelles complex 1 subunit 3; plus strand). Cytogenetic location: 19q13.32.
Variant type: single nucleotide variant.
Coding change: c.424C>T on transcript NM_212550.5 (MANE Select); coding-DNA position 424, C replaced by T.
Protein change: p.Leu142=; no amino-acid change (leucine 142 retained).
Molecular consequence: synonymous variant.
Genome position (GRCh38, 1-based): chr19:45,179,720, C>T. VCF-style: chr19-45179720-C-T. GRCh37 (hg19) VCF-style: chr19-45682978-C-T.
Identifiers: ClinVar variation 1644250 (VCV001644250.34), dbSNP rs879448820, ClinGen allele CA308943368.